The following is an entry in ClinVar:

NM_000477.5(ALB):c.71G>A (p.Arg24Gln)

Gene: ALB (albumin; plus strand). Cytogenetic location: 4q13.3.
Variant type: single nucleotide variant.
Coding change: c.71G>A on transcript NM_000477.5; coding-DNA position 71, G replaced by A.
Protein change: p.Arg24Gln; replaces arginine 24 with glutamine.
Molecular consequence: missense variant (on NM_000477.7).
Genome position (GRCh38, 1-based): chr4:73,404,398, G>A. VCF-style: chr4-73404398-G-A. GRCh37 (hg19) VCF-style: chr4-74270115-G-A.
Other names: PROALBUMIN GAINESVILLE; PROALBUMIN FUKUOKA 3; albumin Honolulu 2; proalbumin Christchurch; c.71G>A, p.Arg24Gln (NM_000477.7); short protein forms R24Q.
Identifiers: ClinVar variation 18185 (VCV000018185.3), dbSNP rs74821926, ClinGen allele CA127879.

ClinVar aggregate classification (germline): Uncertain significance. Review status: criteria provided, single submitter (1 of 4 stars). 2 submissions from 2 submitters: Uncertain significance (1). 1 of the submissions does not count toward it. Last evaluated 2024-11-22.

Conditions:
Ehlers-Danlos syndrome, arthrochalasia type. Also called: Ehlers-Danlos syndrome, arthrochalasis type; Ehlers-Danlos syndrome, arthrochalasia type, 1; ARTHROCHALASIS MULTIPLEX CONGENITA; EDS VII, MUTANT PROCOLLAGEN TYPE; EDS VIIA. Identifiers: Orphanet 1899, Orphanet 99875, Orphanet 99876, MedGen C4551623, MONDO:0007525, OMIM 130060.
Analbuminemia (ANALBA). Also called: Analbuminemia, American Indian type; Analbuminemia, Vancouver. Identifiers: Orphanet 86816, MedGen C0878666, OMIM 616000.

Allele frequency attached by ClinVar (database versions not stated): ExAC 0.00001; gnomAD 0.00001.
gnomAD v4.1: 46 of 1,611,834 alleles (0.0029%); highest among the groups gnomAD compares: South Asian, 0.0044%; no homozygotes.

Submissions (2):

3billion
Classification: Uncertain significance for Analbuminemia. Last evaluated: 2024-11-22. Review status: criteria provided, single submitter. Criteria: ACMG Guidelines, 2015. Collection method: clinical testing. Allele origin: germline. Affected: yes.
Comment: The variant is observed at an extremely low frequency in the gnomAD v4.1.0 dataset (total allele frequency: 0.003%). Predicted Consequence/Location: Missense variant Damaging effect on gene or gene product predicted by in silico programs is uncertain [REVEL: 0.42 (damaging >=0.6, benign <0.4), 3Cnet: 0.00 (damaging >=0.6, benign <0.15)]. The same nucleotide change resulting in the same amino acid change has been previously reported to be associated with ALB related disorder (ClinVar ID: VCV000018185). However, the evidence of pathogenicity is insufficient at this time. A different missense change at the same codon (p.Arg24Pro) has been reported to be associated with ALB related disorder (ClinVar ID: VCV000018186). Therefore, this variant is classified as VUS according to the recommendation of ACMG/AMP guideline.

OMIM
Classification: Pathogenic for PROALBUMIN CHRISTCHURCH. Last evaluated: 1993-08-04. Review status: no assertion criteria provided. Collection method: literature only. Allele origin: germline. Not counted in ClinVar's aggregate classification.

Literature cited by the submitters: PubMed 2404284 (cited by OMIM); PubMed 8347685 (cited by OMIM).